The following is an entry in ClinVar:

NM_002184.4(IL6ST):c.1630G>C (p.Val544Leu)

Gene: IL6ST (interleukin 6 cytokine family signal transducer; minus strand). Cytogenetic location: 5q11.2.
Variant type: single nucleotide variant.
Coding change: c.1630G>C on transcript NM_002184.4 (MANE Select); coding-DNA position 1630, G replaced by C.
Protein change: p.Val544Leu; replaces valine 544 with leucine.
Molecular consequence: missense variant. On other transcripts: 3 prime UTR variant (1), non-coding transcript variant (2).
Genome position (GRCh38, 1-based): chr5:55,951,998, C>G on the plus strand (G>C on the coding strand, the complement: IL6ST is on the minus strand). VCF-style: chr5-55951998-C-G. GRCh37 (hg19) VCF-style: chr5-55247826-C-G.
Other names: c.1447G>C, p.Val483Leu (NM_001190981.2); c.1528G>C, p.Val510Leu (NM_001364275.2); c.1420G>C, p.Val474Leu (NM_001364276.2); c.763G>C, p.Val255Leu (NM_001364277.2); c.727G>C, p.Val243Leu (NM_001364278.2); c.634G>C, p.Val212Leu (NM_001364279.2); c.*557G>C (NM_175767.3); short protein forms V510L, V255L, V212L, V474L, V483L, V544L, V243L.
Identifiers: ClinVar variation 1915929 (VCV001915929.5), dbSNP rs375131282, ClinGen allele CA119047267.
Genomic context (GRCh38, chr5:55,951,998, plus strand): 5'-TTCCAATGATGGTTCTATAAAATATAGTATAATTTCTGATAAATCCATTCTGAACATCAA[C>G]AGGAAGTTGGTCCCACTCTAAGACAGCTTCGTTTTTCCCTACTTTTTTTGTCCGAACAGT-3'
Protein context (NP_002175.2, residues 534-554): EAVLEWDQLP[Val544Leu]DVQNGFIRNY

ClinVar aggregate classification (germline): Uncertain significance (1 of 4 stars; one submission).

gnomAD v4.1: 17 of 1,588,910 alleles (0.0011%); highest among the groups gnomAD compares: Non-Finnish European, 0.0014%; no homozygotes.

Submission:

Labcorp Genetics (formerly Invitae), Labcorp
Classification: Uncertain significance. Last evaluated: 2024-06-16. Review status: criteria provided, single submitter. Criteria: Invitae Variant Classification Sherloc (09022015). Collection method: clinical testing. Allele origin: germline.
Comment: This sequence change replaces valine, which is neutral and non-polar, with leucine, which is neutral and non-polar, at codon 544 of the IL6ST protein (p.Val544Leu). This variant is present in population databases (no rsID available, gnomAD 0.002%). This variant has not been reported in the literature in individuals affected with IL6ST-related conditions. ClinVar contains an entry for this variant (Variation ID: 1915929). An algorithm developed to predict the effect of missense changes on protein structure and function (PolyPhen-2) suggests that this variant is likely to be tolerated. In summary, the available evidence is currently insufficient to determine the role of this variant in disease. Therefore, it has been classified as a Variant of Uncertain Significance.